The following is an entry in ClinVar:

NM_001164508.2(NEB):c.20315C>T (p.Pro6772Leu)

Gene: NEB (nebulin; minus strand). Cytogenetic location: 2q23.3.
Variant type: single nucleotide variant.
Coding change: c.20315C>T on transcript NM_001164508.2 (MANE Select); coding-DNA position 20315, C replaced by T.
Protein change: p.Pro6772Leu; replaces proline 6772 with leucine.
Molecular consequence: missense variant.
Genome position (GRCh38, 1-based): chr2:151,547,481, G>A on the plus strand (C>T on the coding strand, the complement: NEB is on the minus strand). VCF-style: chr2-151547481-G-A. GRCh37 (hg19) VCF-style: chr2-152403995-G-A.
Other names: c.20315C>T, p.Pro6772Leu (NM_001164507.2, NM_001271208.2); c.15212C>T, p.Pro5071Leu (NM_004543.5); short protein forms P6772L, P5071L.
Identifiers: ClinVar variation 567069 (VCV000567069.8), dbSNP rs1559782362, ClinGen allele CA348783011.

ClinVar aggregate classification (germline): Uncertain significance. Review status: criteria provided, multiple submitters, no conflicts (2 of 4 stars). 2 submissions from 2 submitters: Uncertain significance (2). Last evaluated 2021-09-01.

Conditions:
Nemaline myopathy 2 (NEM2). Also called: Nemaline myopathy 2, autosomal recessive. Identifiers: MedGen C1850569, MONDO:0009725, OMIM 256030.

Submissions (2):

Labcorp Genetics (formerly Invitae), Labcorp
Classification: Uncertain significance for Nemaline myopathy 2. Last evaluated: 2021-09-01. Review status: criteria provided, single submitter. Criteria: Invitae Variant Classification Sherloc (09022015). Collection method: clinical testing. Allele origin: germline.
Comment: This sequence change replaces proline with leucine at codon 6772 of the NEB protein (p.Pro6772Leu). The proline residue is moderately conserved and there is a moderate physicochemical difference between proline and leucine. This variant is not present in population databases (ExAC no frequency). This variant has not been reported in the literature in individuals affected with NEB-related conditions. Algorithms developed to predict the effect of missense changes on protein structure and function are either unavailable or do not agree on the potential impact of this missense change (SIFT: "Deleterious"; PolyPhen-2: "Not Available"; Align-GVGD: "Class C0"). In summary, the available evidence is currently insufficient to determine the role of this variant in disease. Therefore, it has been classified as a Variant of Uncertain Significance.

Revvity Omics, Revvity
Classification: Uncertain significance. Last evaluated: 2019-07-27. Review status: criteria provided, single submitter. Criteria: ACMG Guidelines, 2015. Collection method: clinical testing. Allele origin: germline.